The following is an entry in ClinVar:

NM_001379200.1(TBX1):c.616C>G (p.Pro206Ala)

Gene: TBX1 (T-box transcription factor 1; plus strand). Cytogenetic location: 22q11.21.
Variant type: single nucleotide variant.
Coding change: c.616C>G on transcript NM_001379200.1 (MANE Select); coding-DNA position 616, C replaced by G.
Protein change: p.Pro206Ala; replaces proline 206 with alanine.
Molecular consequence: missense variant.
Genome position (GRCh38, 1-based): chr22:19,764,231, C>G. VCF-style: chr22-19764231-C-G. GRCh37 (hg19) VCF-style: chr22-19751754-C-G.
Other names: c.589C>G, p.Pro197Ala (NM_005992.1, NM_080646.2, NM_080647.1); short protein forms P197A, P206A.
Identifiers: ClinVar variation 2414263 (VCV002414263.6), dbSNP rs2145833917, ClinGen allele CA410682850.

ClinVar aggregate classification (germline): Uncertain significance (1 of 4 stars; one submission).

Conditions:
DiGeorge syndrome. Also called: Catch22; THIRD AND FOURTH PHARYNGEAL POUCH SYNDROME. Identifiers: Orphanet 567, MedGen C0012236, MONDO:0008564, OMIM 188400.

Submission:

Labcorp Genetics (formerly Invitae), Labcorp
Classification: Uncertain significance for DiGeorge syndrome. Last evaluated: 2024-10-15. Review status: criteria provided, single submitter. Criteria: Invitae Variant Classification Sherloc (09022015). Collection method: clinical testing. Allele origin: germline.
Comment: This sequence change replaces proline, which is neutral and non-polar, with alanine, which is neutral and non-polar, at codon 197 of the TBX1 protein (p.Pro197Ala). This variant is not present in population databases (gnomAD no frequency). This variant has not been reported in the literature in individuals affected with TBX1-related conditions. ClinVar contains an entry for this variant (Variation ID: 2414263). Invitae Evidence Modeling of protein sequence and biophysical properties (such as structural, functional, and spatial information, amino acid conservation, physicochemical variation, residue mobility, and thermodynamic stability) indicates that this missense variant is expected to disrupt TBX1 protein function with a positive predictive value of 80%. In summary, the available evidence is currently insufficient to determine the role of this variant in disease. Therefore, it has been classified as a Variant of Uncertain Significance.